The following is an entry in ClinVar:

NM_007294.4(BRCA1):c.2876G>A (p.Arg959Lys)

Gene: BRCA1 (BRCA1 DNA repair associated; minus strand). Cytogenetic location: 17q21.31.
Variant type: single nucleotide variant.
Coding change: c.2876G>A on transcript NM_007294.4 (MANE Select); coding-DNA position 2876, G replaced by A.
Protein change: p.Arg959Lys; replaces arginine 959 with lysine.
Molecular consequence: missense variant. On other transcripts: intron variant (137).
Genome position (GRCh38, 1-based): chr17:43,092,655, C>T on the plus strand (G>A on the coding strand, the complement: BRCA1 is on the minus strand). VCF-style: chr17-43092655-C-T. GRCh37 (hg19) VCF-style: chr17-41244672-C-T.
Other names: c.2663G>A, p.Arg888Lys (NM_001407571.1, NM_001407853.1, NM_001407894.1 and 9 more transcripts); c.2876G>A, p.Arg959Lys (NM_001407581.1, NM_001407582.1, NM_001407583.1 and 30 more transcripts); c.2873G>A, p.Arg958Lys (NM_001407587.1, NM_001407590.1, NM_001407591.1 and 22 more transcripts); c.2867G>A, p.Arg956Lys (NM_001407646.1, NM_001407647.1); c.2753G>A, p.Arg918Lys (NM_001407648.1, NM_001407664.1, NM_001407665.1 and 19 more transcripts); c.2750G>A, p.Arg917Lys (NM_001407649.1, NM_001407670.1, NM_001407671.1 and 11 more transcripts); c.2798G>A, p.Arg933Lys (NM_001407653.1, NM_001407654.1, NM_001407655.1 and 4 more transcripts); c.2795G>A, p.Arg932Lys (NM_001407659.1, NM_001407660.1, NM_001407661.1 and 1 more transcripts); and 41 more; short protein forms R888K, R959K, R663K, R870K, R889K, R911K, R956K, R831K.
Identifiers: ClinVar variation 2907521 (VCV002907521.3), dbSNP rs779153035, ClinGen allele CA058246.

ClinVar aggregate classification (germline): Uncertain significance (1 of 4 stars; one submission).

Conditions:
Hereditary breast ovarian cancer syndrome. Also called: Breast and ovarian cancer; BRCA1- and BRCA2-Associated Hereditary Breast and Ovarian Cancer; Hereditary breast and ovarian cancer; Hereditary breast and/or ovarian cancer syndrome; Hereditary breast and ovarian cancer syndrome; Hereditary breast and ovarian cancer syndrome (HBOC). Identifiers: Orphanet 145, MedGen C0677776, MeSH D061325, MONDO:0003582. Disease mechanism: loss of function.

Allele frequency attached by ClinVar (database versions not stated): gnomAD exomes below 0.00001; ExAC 0.00001.
gnomAD v4.1: 3 of 1,614,062 alleles (0.00019%); highest among the groups gnomAD compares: South Asian, 0.0011%; no homozygotes.

Submission:

Labcorp Genetics (formerly Invitae), Labcorp
Classification: Uncertain significance for Hereditary breast ovarian cancer syndrome. Last evaluated: 2023-07-28. Review status: criteria provided, single submitter. Criteria: Invitae Variant Classification Sherloc (09022015). Collection method: clinical testing. Allele origin: germline.
Comment: In summary, the available evidence is currently insufficient to determine the role of this variant in disease. Therefore, it has been classified as a Variant of Uncertain Significance. Advanced modeling of protein sequence and biophysical properties (such as structural, functional, and spatial information, amino acid conservation, physicochemical variation, residue mobility, and thermodynamic stability) performed at Invitae indicates that this missense variant is not expected to disrupt BRCA1 protein function. This variant has not been reported in the literature in individuals affected with BRCA1-related conditions. This variant is present in population databases (rs779153035, gnomAD 0.003%). This sequence change replaces arginine, which is basic and polar, with lysine, which is basic and polar, at codon 959 of the BRCA1 protein (p.Arg959Lys).